The following is an entry in ClinVar:

ClinVar aggregate classification (germline): Uncertain significance (1 of 4 stars; one submission).

gnomAD v4.1: 1 of 1,614,012 alleles (0.000062%); no homozygotes.

Submission:

Labcorp Genetics (formerly Invitae), Labcorp
Classification: Uncertain significance. Last evaluated: 2022-04-08. Review status: criteria provided, single submitter. Criteria: Invitae Variant Classification Sherloc (09022015). Collection method: clinical testing. Allele origin: germline.
Comment: This sequence change replaces histidine, which is basic and polar, with tyrosine, which is neutral and polar, at codon 513 of the ARMC9 protein (p.His513Tyr). In summary, the available evidence is currently insufficient to determine the role of this variant in disease. Therefore, it has been classified as a Variant of Uncertain Significance. Experimental studies and prediction algorithms are not available or were not evaluated, and the functional significance of this variant is currently unknown. This variant has not been reported in the literature in individuals affected with ARMC9-related conditions. This variant is present in population databases (no rsID available, gnomAD 0.0009%).

NM_001352754.2(ARMC9):c.1537C>T (p.His513Tyr)

Gene: ARMC9 (armadillo repeat containing 9; plus strand). Cytogenetic location: 2q37.1.
Variant type: single nucleotide variant.
Coding change: c.1537C>T on transcript NM_001352754.2 (MANE Select); coding-DNA position 1537, C replaced by T.
Protein change: p.His513Tyr; replaces histidine 513 with tyrosine.
Molecular consequence: missense variant. On other transcripts: non-coding transcript variant (1).
Genome position (GRCh38, 1-based): chr2:231,278,444, C>T. VCF-style: chr2-231278444-C-T. GRCh37 (hg19) VCF-style: chr2-232143157-C-T.
Other names: c.1537C>T, p.His513Tyr (NM_001271466.4, NM_001291656.2, NM_001352755.2 and 3 more transcripts); c.1438C>T, p.His480Tyr (NM_001352757.2, NM_001352758.2); short protein forms H480Y, H513Y.
Identifiers: ClinVar variation 2123373 (VCV002123373.2), dbSNP rs1255364208, ClinGen allele CA350956869.